The following is an entry in ClinVar:

ClinVar aggregate classification (germline): Uncertain significance (1 of 4 stars; one submission).

Allele frequency attached by ClinVar (database versions not stated): gnomAD exomes below 0.00001; ExAC 0.00001; gnomAD 0.00001; TOPMed 0.00001; ESP Exome Variant Server 0.00008.
gnomAD v4.1: 3 of 1,610,348 alleles (0.00019%); highest among the groups gnomAD compares: African/African-American, 0.0027%; no homozygotes.

Submission:

Labcorp Genetics (formerly Invitae), Labcorp
Classification: Uncertain significance. Last evaluated: 2025-01-13. Review status: criteria provided, single submitter. Criteria: Invitae Variant Classification Sherloc (09022015). Collection method: clinical testing. Allele origin: germline.
Comment: This sequence change replaces glycine, which is neutral and non-polar, with aspartic acid, which is acidic and polar, at codon 2482 of the HMCN1 protein (p.Gly2482Asp). This variant is present in population databases (rs372591014, gnomAD 0.007%). This variant has not been reported in the literature in individuals affected with HMCN1-related conditions. ClinVar contains an entry for this variant (Variation ID: 1398470). An algorithm developed to predict the effect of missense changes on protein structure and function (PolyPhen-2) suggests that this variant is likely to be disruptive. In summary, the available evidence is currently insufficient to determine the role of this variant in disease. Therefore, it has been classified as a Variant of Uncertain Significance.

NM_031935.3(HMCN1):c.7445G>A (p.Gly2482Asp)

Gene: HMCN1 (hemicentin 1; plus strand). Cytogenetic location: 1q31.1.
Variant type: single nucleotide variant.
Coding change: c.7445G>A on transcript NM_031935.3 (MANE Select); coding-DNA position 7445, G replaced by A.
Protein change: p.Gly2482Asp; replaces glycine 2482 with aspartic acid.
Molecular consequence: missense variant.
Genome position (GRCh38, 1-based): chr1:186,062,532, G>A. VCF-style: chr1-186062532-G-A. GRCh37 (hg19) VCF-style: chr1-186031664-G-A.
Other names: short protein forms G2482D.
Identifiers: ClinVar variation 1398470 (VCV001398470.6), dbSNP rs372591014, ClinGen allele CA1292842.